The following is an entry in ClinVar:

ClinVar aggregate classification (germline): Uncertain significance (1 of 4 stars; one submission).

Conditions:
Cohen syndrome (COH1). Also called: PEPPER SYNDROME; Cutis verticis gyrata, retinitis pigmentosa, and sensorineural deafness. Identifiers: Orphanet 193, MedGen C0265223, MONDO:0008999, OMIM 216550.

Submission:

Labcorp Genetics (formerly Invitae), Labcorp
Classification: Uncertain significance for Cohen syndrome. Last evaluated: 2022-04-29. Review status: criteria provided, single submitter. Criteria: Invitae Variant Classification Sherloc (09022015). Collection method: clinical testing. Allele origin: germline.
Comment: This variant is not present in population databases (gnomAD no frequency). This sequence change replaces valine, which is neutral and non-polar, with glycine, which is neutral and non-polar, at codon 3436 of the VPS13B protein (p.Val3436Gly). In summary, the available evidence is currently insufficient to determine the role of this variant in disease. Therefore, it has been classified as a Variant of Uncertain Significance. Algorithms developed to predict the effect of missense changes on protein structure and function are either unavailable or do not agree on the potential impact of this missense change (SIFT: "Not Available"; PolyPhen-2: "Benign"; Align-GVGD: "Not Available"). This variant has not been reported in the literature in individuals affected with VPS13B-related conditions.

NM_152564.5(VPS13B):c.10232T>G (p.Val3411Gly)

Gene: VPS13B (vacuolar protein sorting 13 homolog B; plus strand). Cytogenetic location: 8q22.2.
Variant type: single nucleotide variant.
Coding change: c.10232T>G on transcript NM_152564.5 (MANE Select); coding-DNA position 10232, T replaced by G.
Protein change: p.Val3411Gly; replaces valine 3411 with glycine.
Molecular consequence: missense variant.
Genome position (GRCh38, 1-based): chr8:99,853,621, T>G. VCF-style: chr8-99853621-T-G. GRCh37 (hg19) VCF-style: chr8-100865849-T-G.
Other names: c.10307T>G, p.Val3436Gly (NM_017890.5); short protein forms V3411G, V3436G.
Identifiers: ClinVar variation 2051871 (VCV002051871.4), dbSNP rs2492237119, ClinGen allele CA371781090.
Genomic context (GRCh38, chr8:99,853,621, plus strand): 5'-TGGACAACATTTTTCTCTGTGTGGCCCCGGGAGCTGGTCCCCTCCCTGGGGAAGAGCCTG[T>G]GGCTGCGTTGTTTGAACTTTACTGTGTGGAGATCTGCTGTGGGGACCTGCAGCTAGACAA-3'
Protein context (NP_689777.3, residues 3401-3421): GAGPLPGEEP[Val3411Gly]AALFELYCVE